The following is an entry in ClinVar:

NM_001291303.3(FAT4):c.10336A>G (p.Ile3446Val)

Gene: FAT4 (FAT atypical cadherin 4; plus strand). Cytogenetic location: 4q28.1.
Variant type: single nucleotide variant.
Coding change: c.10336A>G on transcript NM_001291303.3 (MANE Select); coding-DNA position 10336, A replaced by G.
Protein change: p.Ile3446Val; replaces isoleucine 3446 with valine.
Molecular consequence: missense variant.
Genome position (GRCh38, 1-based): chr4:125,451,346, A>G. VCF-style: chr4-125451346-A-G. GRCh37 (hg19) VCF-style: chr4-126372501-A-G.
Other names: c.10336A>G, p.Ile3446Val (NM_001291285.3); c.10330A>G, p.Ile3444Val (NM_024582.6); c.10330A>G (NM_024582.4); short protein forms I3444V, I3446V.
Identifiers: ClinVar variation 1484556 (VCV001484556.6), dbSNP rs756625118, ClinGen allele CA3073673.

ClinVar aggregate classification (germline): Uncertain significance. Review status: criteria provided, multiple submitters, no conflicts (2 of 4 stars). 2 submissions from 2 submitters: Uncertain significance (2). Last evaluated 2026-03-26.

Allele frequency attached by ClinVar (database versions not stated): gnomAD 0.00006 and 0.00007; ExAC 0.00005; gnomAD exomes 0.00004; TOPMed 0.00008.
gnomAD v4.1: 203 of 1,614,012 alleles (0.013%); highest among the groups gnomAD compares: Non-Finnish European, 0.017%; no homozygotes.

Submissions (2):

GeneDx
Classification: Uncertain significance. Last evaluated: 2026-03-26. Review status: criteria provided, single submitter. Criteria: GeneDx Variant Classification Process June 2021. Collection method: clinical testing. Allele origin: germline.
Comment: Not observed at significant frequency in large population cohorts (gnomAD); In silico analysis suggests that this missense variant does not alter protein structure/function; Has not been previously published as pathogenic or benign to our knowledge

Labcorp Genetics (formerly Invitae), Labcorp
Classification: Uncertain significance. Last evaluated: 2022-05-11. Review status: criteria provided, single submitter. Criteria: Invitae Variant Classification Sherloc (09022015). Collection method: clinical testing. Allele origin: germline.
Comment: This sequence change replaces isoleucine, which is neutral and non-polar, with valine, which is neutral and non-polar, at codon 3444 of the FAT4 protein (p.Ile3444Val). This variant is present in population databases (rs756625118, gnomAD 0.01%). This variant has not been reported in the literature in individuals affected with FAT4-related conditions. Advanced modeling of protein sequence and biophysical properties (such as structural, functional, and spatial information, amino acid conservation, physicochemical variation, residue mobility, and thermodynamic stability) performed at Invitae indicates that this missense variant is not expected to disrupt FAT4 protein function. In summary, the available evidence is currently insufficient to determine the role of this variant in disease. Therefore, it has been classified as a Variant of Uncertain Significance.